The following is an entry in ClinVar:

NM_004519.4(KCNQ3):c.355C>T (p.Arg119Trp)

Gene: KCNQ3 (potassium voltage-gated channel subfamily Q member 3; minus strand). Cytogenetic location: 8q24.22.
Variant type: single nucleotide variant.
Coding change: c.355C>T on transcript NM_004519.4 (MANE Select); coding-DNA position 355, C replaced by T.
Protein change: p.Arg119Trp; replaces arginine 119 with tryptophan.
Molecular consequence: missense variant.
Genome position (GRCh38, 1-based): chr8:132,480,178, G>A on the plus strand (C>T on the coding strand, the complement: KCNQ3 is on the minus strand). VCF-style: chr8-132480178-G-A. GRCh37 (hg19) VCF-style: chr8-133492425-G-A.
Other names: short protein forms R119W.
Identifiers: ClinVar variation 2881854 (VCV002881854.3), dbSNP rs1304097670, ClinGen allele CA372292378.

ClinVar aggregate classification (germline): Uncertain significance (1 of 4 stars; one submission).

Conditions:
Benign neonatal seizures. Also called: Benign neonatal familial convulsions; Benign familial neonatal seizures; Convulsions benign familial neonatal dominant form; Autosomal dominant form of benign neonatal seizures; Benign familial neonatal epilepsy. Identifiers: Orphanet 1949, MedGen C0220669, MONDO:0016027.

Allele frequency attached by ClinVar (database versions not stated): gnomAD exomes below 0.00001.
gnomAD v4.1: 1 of 1,612,658 alleles (0.000062%); highest among the groups gnomAD compares: Non-Finnish European, 0.000085%; no homozygotes.

Submission:

Labcorp Genetics (formerly Invitae), Labcorp
Classification: Uncertain significance for Benign neonatal seizures. Last evaluated: 2024-10-23. Review status: criteria provided, single submitter. Criteria: Invitae Variant Classification Sherloc (09022015). Collection method: clinical testing. Allele origin: germline.
Comment: This sequence change replaces arginine, which is basic and polar, with tryptophan, which is neutral and slightly polar, at codon 119 of the KCNQ3 protein (p.Arg119Trp). This variant is present in population databases (no rsID available, gnomAD 0.0009%). This variant has not been reported in the literature in individuals affected with KCNQ3-related conditions. Invitae Evidence Modeling of protein sequence and biophysical properties (such as structural, functional, and spatial information, amino acid conservation, physicochemical variation, residue mobility, and thermodynamic stability) indicates that this missense variant is not expected to disrupt KCNQ3 protein function with a negative predictive value of 80%. In summary, the available evidence is currently insufficient to determine the role of this variant in disease. Therefore, it has been classified as a Variant of Uncertain Significance.